The following is an entry in ClinVar:

NM_001430.5(EPAS1):c.927G>A (p.Met309Ile)

Gene: EPAS1 (endothelial PAS domain protein 1; plus strand). Cytogenetic location: 2p21.
Variant type: single nucleotide variant.
Coding change: c.927G>A on transcript NM_001430.5 (MANE Select); coding-DNA position 927, G replaced by A.
Protein change: p.Met309Ile; replaces methionine 309 with isoleucine.
Molecular consequence: missense variant.
Genome position (GRCh38, 1-based): chr2:46,375,730, G>A. VCF-style: chr2-46375730-G-A. GRCh37 (hg19) VCF-style: chr2-46602869-G-A.
Other names: short protein forms M309I.
Identifiers: ClinVar variation 1766417 (VCV001766417.4), dbSNP rs769824544, ClinGen allele CA1644821.
Genomic context (GRCh38, chr2:46,375,730, plus strand): 5'-CTCTGTTTCTCCTCCCCTAGTGTGCACCAAGGGTCAGGTAGTAAGTGGCCAGTACCGGAT[G>A]CTCGCAAAGCATGGGGGCTACGTGTGGCTGGAGACCCAGGGGACGGTCATCTACAACCCT-3'
Protein context (NP_001421.2, residues 299-319): KGQVVSGQYR[Met309Ile]LAKHGGYVWL

ClinVar aggregate classification (germline): Uncertain significance. Review status: criteria provided, multiple submitters, no conflicts (2 of 4 stars). 2 submissions from 2 submitters: Uncertain significance (2). Last evaluated 2024-06-08.

Conditions:
Inborn genetic diseases. Identifiers: MedGen C0950123, MeSH D030342.

Allele frequency attached by ClinVar (database versions not stated): gnomAD 0.00001; TOPMed 0.00001; ExAC 0.00002.
gnomAD v4.1: 8 of 1,614,202 alleles (0.0005%); highest among the groups gnomAD compares: South Asian, 0.0033%; 1 homozygote.

Submissions (2):

Ambry Genetics
Classification: Uncertain significance for Inborn genetic diseases. Last evaluated: 2024-06-08. Review status: criteria provided, single submitter. Criteria: Ambry Variant Classification Scheme 2023. Collection method: clinical testing. Allele origin: germline.
Comment: The p.M309I variant (also known as c.927G>A), located in coding exon 8 of the EPAS1 gene, results from a G to A substitution at nucleotide position 927. The methionine at codon 309 is replaced by isoleucine, an amino acid with highly similar properties. This amino acid position is conserved. In addition, the in silico prediction for this alteration is inconclusive. Since supporting evidence is limited at this time, the clinical significance of this alteration remains unclear.

Clinical Genetics Laboratory, Skane University Hospital Lund
Classification: Uncertain significance. Last evaluated: 2023-08-23. Review status: criteria provided, single submitter. Criteria: ACMG Guidelines, 2015. Collection method: clinical testing. Allele origin: germline. Affected: yes.